The following is an entry in ClinVar:

NM_024926.4(IFT56):c.1655T>C (p.Val552Ala)

Gene: IFT56 (intraflagellar transport 56; plus strand). Cytogenetic location: 7q34.
Variant type: single nucleotide variant.
Coding change: c.1655T>C on transcript NM_024926.4 (MANE Select); coding-DNA position 1655, T replaced by C.
Protein change: p.Val552Ala; replaces valine 552 with alanine.
Molecular consequence: missense variant. On other transcripts: 3 prime UTR variant (1).
Genome position (GRCh38, 1-based): chr7:139,189,422, T>C. VCF-style: chr7-139189422-T-C. GRCh37 (hg19) VCF-style: chr7-138874168-T-C.
Other names: c.1655T>C (NM_024926.2); c.*57T>C (NM_001144920.3); c.1562T>C, p.Val521Ala (NM_001144923.3); c.1262T>C, p.Val421Ala (NM_001287512.2); c.1340T>C, p.Val447Ala (NM_001287513.2); c.1235T>C, p.Val412Ala (NM_001318333.2); c.1625T>C, p.Val542Ala (NM_001321740.2); c.1337T>C, p.Val446Ala (NM_001321741.2); short protein forms V412A, V421A, V446A, V447A, V521A, V542A, V552A.
Identifiers: ClinVar variation 2418170 (VCV002418170.5), dbSNP rs200627350, ClinGen allele CA4508548.

ClinVar aggregate classification (germline): Uncertain significance. Review status: criteria provided, multiple submitters, no conflicts (2 of 4 stars). 2 submissions from 2 submitters: Uncertain significance (2). Last evaluated 2024-11-11.

Allele frequency attached by ClinVar (database versions not stated): TOPMed 0.00002; gnomAD 0.00005; ExAC 0.00002; gnomAD exomes 0.00003.
gnomAD v4.1: 44 of 1,608,398 alleles (0.0027%); highest among the groups gnomAD compares: Non-Finnish European, 0.0037%; no homozygotes.

Submissions (2):

Labcorp Genetics (formerly Invitae), Labcorp
Classification: Uncertain significance. Last evaluated: 2024-11-11. Review status: criteria provided, single submitter. Criteria: Invitae Variant Classification Sherloc (09022015). Collection method: clinical testing. Allele origin: germline.
Comment: This sequence change replaces valine, which is neutral and non-polar, with alanine, which is neutral and non-polar, at codon 552 of the TTC26 protein (p.Val552Ala). The frequency data for this variant in the population databases is considered unreliable, as metrics indicate poor data quality at this position in the gnomAD database. This variant has not been reported in the literature in individuals affected with TTC26-related conditions. ClinVar contains an entry for this variant (Variation ID: 2418170). Invitae Evidence Modeling of protein sequence and biophysical properties (such as structural, functional, and spatial information, amino acid conservation, physicochemical variation, residue mobility, and thermodynamic stability) indicates that this missense variant is not expected to disrupt TTC26 protein function with a negative predictive value of 80%. In summary, the available evidence is currently insufficient to determine the role of this variant in disease. Therefore, it has been classified as a Variant of Uncertain Significance.

Ambry Genetics
Classification: Uncertain significance. Last evaluated: 2024-06-16. Review status: criteria provided, single submitter. Criteria: Ambry Variant Classification Scheme 2023. Collection method: clinical testing. Allele origin: germline.